The following is an entry in ClinVar:

NM_000836.4(GRIN2D):c.3105C>T (p.Ala1035=)

Gene: GRIN2D (glutamate ionotropic receptor NMDA type subunit 2D; plus strand). Cytogenetic location: 19q13.33.
Variant type: single nucleotide variant.
Coding change: c.3105C>T on transcript NM_000836.4 (MANE Select); coding-DNA position 3105, C replaced by T.
Protein change: p.Ala1035=; no amino-acid change (alanine 1035 retained).
Molecular consequence: synonymous variant.
Genome position (GRCh38, 1-based): chr19:48,443,031, C>T. VCF-style: chr19-48443031-C-T. GRCh37 (hg19) VCF-style: chr19-48946288-C-T.
Identifiers: ClinVar variation 1563492 (VCV001563492.33), dbSNP rs746882312, ClinGen allele CA9550814.

ClinVar aggregate classification (germline): Likely benign. Review status: criteria provided, multiple submitters, no conflicts (2 of 4 stars). 4 submissions from 4 submitters: Likely benign (4). Last evaluated 2026-03-01.

Allele frequency attached by ClinVar (database versions not stated): gnomAD 0.00007 and 0.00015; TOPMed 0.00010; gnomAD exomes 0.00018 and 0.00461; 1000 Genomes Project 30x 0.00047; ExAC 0.01460.

Submissions (4):

CeGaT Center for Human Genetics Tuebingen
Classification: Likely benign. Last evaluated: 2026-03-01. Review status: criteria provided, single submitter. Criteria: CeGaT Center For Human Genetics Tuebingen Variant Classification Criteria Version 2. Collection method: clinical testing. Allele origin: germline. Affected: yes. Observed: 3 variant alleles.
Comment: GRIN2D: BP4, BP7, BS1

Labcorp Genetics (formerly Invitae), Labcorp
Classification: Likely benign. Last evaluated: 2026-01-28. Review status: criteria provided, single submitter. Criteria: Invitae Variant Classification Sherloc (09022015). Collection method: clinical testing. Allele origin: germline.

Blueprint Genetics
Classification: Likely benign. Last evaluated: 2024-11-14. Review status: criteria provided, single submitter. Criteria: ACMG Guidelines, 2015. Collection method: clinical testing. Allele origin: germline.

Breakthrough Genomics
Classification: Likely benign. Review status: criteria provided, single submitter. Criteria: ACMG Guidelines, 2015. Collection method: not provided. Allele origin: germline. Inheritance: Autosomal dominant inheritance. Affected: yes.